The following is an entry in ClinVar:

NM_013275.6(ANKRD11):c.5195A>G (p.Tyr1732Cys)

Gene: ANKRD11 (ankyrin repeat domain 11; minus strand). Cytogenetic location: 16q24.3.
Variant type: single nucleotide variant.
Coding change: c.5195A>G on transcript NM_013275.6 (MANE Select); coding-DNA position 5195, A replaced by G.
Protein change: p.Tyr1732Cys; replaces tyrosine 1732 with cysteine.
Molecular consequence: missense variant.
Genome position (GRCh38, 1-based): chr16:89,281,347, T>C on the plus strand (A>G on the coding strand, the complement: ANKRD11 is on the minus strand). VCF-style: chr16-89281347-T-C. GRCh37 (hg19) VCF-style: chr16-89347755-T-C.
Other names: c.5195A>G, p.Tyr1732Cys (NM_001256182.2, NM_001256183.2); short protein forms Y1732C.
Identifiers: ClinVar variation 4883252 (VCV004883252.2).

ClinVar aggregate classification (germline): Uncertain significance (1 of 4 stars; one submission).

Submission:

Dasa
Classification: Uncertain significance. Last evaluated: 2025-09-17. Review status: criteria provided, single submitter. Criteria: DASA Assertion Criteria. Collection method: clinical testing. Allele origin: germline.
Comment: NM_013275.6(ANKRD11):c.5195A>G (p.Tyr1732Cys) is a missense variant that results in the substitution of tyrosine with cysteine. This variant is absent from population databases. The currently available literature and clinical evidence are not sufficient to establish a definitive association between this variant and the reported condition. Therefore, this variant is classified as a variant of uncertain significance.